The following is an entry in ClinVar:

NM_004646.4(NPHS1):c.1138C>T (p.Gln380Ter)

Gene: NPHS1 (NPHS1 adhesion molecule, nephrin; minus strand). Cytogenetic location: 19q13.12.
Variant type: single nucleotide variant.
Coding change: c.1138C>T on transcript NM_004646.4 (MANE Select); coding-DNA position 1138, C replaced by T.
Protein change: p.Gln380Ter; replaces glutamine 380 with a stop codon.
Molecular consequence: nonsense.
Genome position (GRCh38, 1-based): chr19:35,848,669, G>A on the plus strand (C>T on the coding strand, the complement: NPHS1 is on the minus strand). VCF-style: chr19-35848669-G-A. GRCh37 (hg19) VCF-style: chr19-36339571-G-A.
Other names: short protein forms Q380*.
Identifiers: ClinVar variation 56429 (VCV000056429.2), dbSNP rs386833872, ClinGen allele CA250104.

ClinVar aggregate classification (germline): Likely pathogenic (0 of 4 stars; one submission).

Conditions:
Finnish congenital nephrotic syndrome (NPHS1). Also called: NEPHROTIC SYNDROME, TYPE 1. Identifiers: Orphanet 839, MedGen C0403399, MONDO:0009732, OMIM 256300.

Submission:

Juha Muilu Group; Institute for Molecular Medicine Finland (FIMM)
Classification: Likely pathogenic for Finnish congenital nephrotic syndrome. Review status: no assertion criteria provided. Collection method: not provided. Allele origin: unknown.
Comment: FinDis database variant: FinDis database variant: This variant was not found or characterized by our laboratory, data were collected from public sources: see reference
ClinVar note: Converted during submission from probable-pathogenic to Likely pathogenic.